The following is an entry in ClinVar:

NM_018238.4(AGK):c.1039_1042dup (p.Ile348fs)

Gene: AGK (acylglycerol kinase; plus strand). Cytogenetic location: 7q34.
Variant type: Duplication.
Coding change: c.1039_1042dup on transcript NM_018238.4 (MANE Select); coding-DNA positions 1039 to 1042, 4 bases duplicated (ACTA; older notation c.1039_1042dupACTA).
Protein change: p.Ile348fs; shifts the reading frame from isoleucine 348.
Molecular consequence: frameshift variant.
Genome position (GRCh38, 1-based): chr7:141,649,326-141,649,329, ACTA duplicated; duplicating any 4 consecutive bases within chr7:141,649,324-141,649,329 gives the same sequence; the c. name uses the placement nearest the transcript's 3' end. VCF-style (leftmost placement, unchanged base first): chr7-141649323-A-ATAAC. GRCh37 (hg19) VCF-style: chr7-141349123-A-ATAAC.
Other names: c.1039_1042dup, p.Ile348fs (NM_001364948.3); short protein forms I348fs.
Identifiers: ClinVar variation 1033892 (VCV001033892.1), dbSNP rs778049466, ClinGen allele CA4517652.
Genomic context (GRCh38, chr7:141,649,323, plus strand): 5'-AGCAAAGAAGATTTTCTGAATATCTGCATTGAACCTGACACCATCAGCAAAGGAGACTTT[A>ATAAC]TAACTATAGGGTAAGTGGACTGGGGTTCACAGGAAATGAGGCTTGTGATTTTCTCAGATT-3'

ClinVar aggregate classification (germline): Pathogenic (1 of 4 stars; one submission).

Conditions:
Sengers syndrome. Also called: MITOCHONDRIAL DNA DEPLETION SYNDROME 10 (CARDIOMYOPATHIC TYPE); Cardiomyopathy and cataract. Identifiers: Orphanet 1369, MedGen C1859317, MONDO:0008922, OMIM 212350.

Submission:

Baylor Genetics
Classification: Pathogenic for Sengers syndrome. Last evaluated: 2018-12-23. Review status: criteria provided, single submitter. Criteria: ACMG Guidelines, 2015. Collection method: clinical testing. Allele origin: unknown. Affected: yes.
Comment: This variant was determined to be pathogenic according to ACMG Guidelines, 2015 [PMID:25741868].